The following is an entry in ClinVar:

NM_005876.5(SPEG):c.1884_1903dup (p.Ala635fs)

Gene: SPEG (striated muscle enriched protein kinase; plus strand). Cytogenetic location: 2q35.
Variant type: Duplication.
Coding change: c.1884_1903dup on transcript NM_005876.5 (MANE Select); coding-DNA positions 1884 to 1903, 20 bases duplicated (TCGGAAGCGGGAGCCCCCGG).
Protein change: p.Ala635fs; shifts the reading frame from alanine 635.
Molecular consequence: frameshift variant.
Genome position (GRCh38, 1-based): chr2:219,449,042-219,449,061, TCGGAAGCGGGAGCCCCCGG duplicated; duplicating any 20 consecutive bases within chr2:219,449,035-219,449,061 gives the same sequence; the c. name uses the placement nearest the transcript's 3' end. VCF-style (leftmost placement, unchanged base first): chr2-219449034-C-CCCCCCGGTCGGAAGCGGGAG. GRCh37 (hg19) VCF-style: chr2-220313756-C-CCCCCCGGTCGGAAGCGGGAG.
Other names: c.1914_1933dup, p.Ala645fs (NM_001438924.1); c.1707_1726dup, p.Ala576fs (NM_001438925.1); c.1602_1621dup, p.Ala541fs (NM_001438926.1, NM_001438929.1); c.1572_1591dup, p.Ala531fs (NM_001438927.1); c.1425_1444dup, p.Ala482fs (NM_001438928.1, NM_001438933.1); c.1395_1414dup, p.Ala472fs (NM_001438930.1, NM_001438934.1); c.1545_1564dup, p.Ala522fs (NM_001438931.1); c.1338_1357dup, p.Ala453fs (NM_001438932.1); short protein forms A576fs, A472fs, A531fs, A635fs, A453fs, A522fs, A645fs, A482fs.
Identifiers: ClinVar variation 4720484 (VCV004720484.1).

ClinVar aggregate classification (germline): Pathogenic (1 of 4 stars; one submission).

Submission:

Labcorp Genetics (formerly Invitae), Labcorp
Classification: Pathogenic. Last evaluated: 2025-05-30. Review status: criteria provided, single submitter. Criteria: Invitae Variant Classification Sherloc (09022015). Collection method: clinical testing. Allele origin: germline.
Comment: This sequence change creates a premature translational stop signal (p.Ala635Valfs*92) in the SPEG gene. It is expected to result in an absent or disrupted protein product. Loss-of-function variants in SPEG are known to be pathogenic (PMID: 19118250, 25087613). This variant is not present in population databases (gnomAD no frequency). This variant has not been reported in the literature in individuals affected with SPEG-related conditions. For these reasons, this variant has been classified as Pathogenic.

Literature cited by the submitters: PubMed 19118250; PubMed 25087613.